The following is an entry in ClinVar:

ClinVar aggregate classification (germline): Uncertain significance (1 of 4 stars; one submission).

Allele frequency attached by ClinVar (database versions not stated): gnomAD exomes 0.00001 and 0.00003; ExAC 0.00005; gnomAD 0.00011; TOPMed 0.00012; ESP Exome Variant Server 0.00015; 1000 Genomes Project 30x 0.00031; 1000 Genomes Project 0.00040.
gnomAD v4.1: 30 of 1,614,072 alleles (0.0019%); highest among the groups gnomAD compares: African/African-American, 0.039%; no homozygotes.

Submission:

Labcorp Genetics (formerly Invitae), Labcorp
Classification: Uncertain significance. Last evaluated: 2025-05-28. Review status: criteria provided, single submitter. Criteria: Invitae Variant Classification Sherloc (09022015). Collection method: clinical testing. Allele origin: germline.
Comment: This sequence change replaces proline, which is neutral and non-polar, with leucine, which is neutral and non-polar, at codon 776 of the BACH2 protein (p.Pro776Leu). This variant is present in population databases (rs199646582, gnomAD 0.05%). This variant has not been reported in the literature in individuals affected with BACH2-related conditions. ClinVar contains an entry for this variant (Variation ID: 1431493). Invitae Evidence Modeling of protein sequence and biophysical properties (such as structural, functional, and spatial information, amino acid conservation, physicochemical variation, residue mobility, and thermodynamic stability) indicates that this missense variant is not expected to disrupt BACH2 protein function with a negative predictive value of 80%. In summary, the available evidence is currently insufficient to determine the role of this variant in disease. Therefore, it has been classified as a Variant of Uncertain Significance.

NM_021813.4(BACH2):c.2327C>T (p.Pro776Leu)

Gene: BACH2 (BACH transcriptional regulator 2; minus strand). Cytogenetic location: 6q15.
Variant type: single nucleotide variant.
Coding change: c.2327C>T on transcript NM_021813.4 (MANE Select); coding-DNA position 2327, C replaced by T.
Protein change: p.Pro776Leu; replaces proline 776 with leucine.
Molecular consequence: missense variant.
Genome position (GRCh38, 1-based): chr6:89,932,607, G>A on the plus strand (C>T on the coding strand, the complement: BACH2 is on the minus strand). VCF-style: chr6-89932607-G-A. GRCh37 (hg19) VCF-style: chr6-90642326-G-A.
Other names: c.2327C>T, p.Pro776Leu (NM_001170794.2); short protein forms P776L.
Identifiers: ClinVar variation 1431493 (VCV001431493.8), dbSNP rs199646582, ClinGen allele CA3927808.